The following is an entry in ClinVar:

ClinVar aggregate classification (germline): Likely benign. Review status: criteria provided, single submitter (1 of 4 stars). 3 submissions from 3 submitters: Likely benign (1). 2 of the submissions do not count toward it. Last evaluated 2026-01-22.

Conditions:
Chronic granulomatous disease. Identifiers: Orphanet 379, MedGen C0018203, MONDO:0018305.
Granulomatous disease, chronic, autosomal recessive, cytochrome b-negative. Also called: CGD DUE TO DEFICIENCY OF THE ALPHA SUBUNIT OF CYTOCHROME b; CGD, AUTOSOMAL RECESSIVE CYTOCHROME b-NEGATIVE; CYBA DEFICIENCY; GRANULOMATOUS DISEASE, CHRONIC, AUTOSOMAL RECESSIVE, 4; Chronic granulomatous disease, autosomal, due to deficiency of CYBA. Identifiers: Orphanet 379, MedGen C1856255, MONDO:0009308, OMIM 233690.
CYBA-related disorder. Also called: CYBA-related condition.

Allele frequency attached by ClinVar (database versions not stated): gnomAD 0.00001 and 0.00009; TOPMed 0.00002; gnomAD exomes 0.00010 and 0.00015; ExAC 0.00014; 1000 Genomes Project 0.00060; 1000 Genomes Project 30x 0.00062.
gnomAD v4.1: 156 of 1,609,364 alleles (0.0097%); highest among the groups gnomAD compares: South Asian, 0.13%; 2 homozygotes.

Submissions (3):

Labcorp Genetics (formerly Invitae), Labcorp
Classification: Likely benign for Granulomatous disease, chronic, autosomal recessive, cytochrome b-negative. Last evaluated: 2026-01-22. Review status: criteria provided, single submitter. Criteria: Invitae Variant Classification Sherloc (09022015). Collection method: clinical testing. Allele origin: germline.

PreventionGenetics, part of Exact Sciences
Classification: Likely benign for CYBA-related condition. Last evaluated: 2024-05-22. Review status: no assertion criteria provided. Collection method: clinical testing. Allele origin: germline. Not counted in ClinVar's aggregate classification.
Comment: This variant is classified as likely benign based on ACMG/AMP sequence variant interpretation guidelines (Richards et al. 2015 PMID: 25741868, with internal and published modifications).

Natera, Inc.
Classification: Uncertain significance for Chronic granulomatous disease. Last evaluated: 2020-01-24. Review status: no assertion criteria provided. Collection method: clinical testing. Allele origin: germline. Not counted in ClinVar's aggregate classification.

NM_000101.4(CYBA):c.59-5C>T

Gene: CYBA (cytochrome b-245 alpha chain; minus strand). Cytogenetic location: 16q24.2.
Variant type: single nucleotide variant.
Coding change: c.59-5C>T on transcript NM_000101.4 (MANE Select); 5 bases into the intron before coding-DNA position 59, C replaced by T.
Molecular consequence: intron variant.
Genome position (GRCh38, 1-based): chr16:88,648,119, G>A on the plus strand (C>T on the coding strand, the complement: CYBA is on the minus strand). VCF-style: chr16-88648119-G-A. GRCh37 (hg19) VCF-style: chr16-88714527-G-A.
Identifiers: ClinVar variation 759689 (VCV000759689.14), dbSNP rs185846992, ClinGen allele CA8228457.